The following is an entry in ClinVar:

NC_000003.11:g.(?_113503051)_(114070745_?)dup

Genes: ATP6V1A (ATPase H+ transporting V1 subunit A; plus strand), CCDC191 (coiled-coil domain containing 191; minus strand), DRD3 (dopamine receptor D3; minus strand), GRAMD1C (GRAM domain containing 1C; plus strand), QTRT2 (queuine tRNA-ribosyltransferase accessory subunit 2; plus strand) and 4 more. Cytogenetic location: 3q13.31.
Variant type: Duplication.
Identifiers: ClinVar variation 2423903 (VCV002423903.3).

ClinVar aggregate classification (germline): Uncertain significance (1 of 4 stars; one submission).

Submission:

Labcorp Genetics (formerly Invitae), Labcorp
Classification: Uncertain significance. Last evaluated: 2022-07-19. Review status: criteria provided, single submitter. Criteria: Invitae Variant Classification Sherloc (09022015). Collection method: clinical testing. Allele origin: germline.
Comment: This variant results in a copy number gain of the genomic region encompassing exon(s) 4-5 of the ZBTB20 gene. This region includes the termination codon of the gene. This copy number gain extends beyond the assayed region for this gene and therefore may encompass additional genes. As the precise location of this event is unknown, it may be in tandem or it may be located elsewhere in the genome. This variant has not been reported in the literature in individuals affected with ZBTB20-related conditions. Experimental studies and prediction algorithms are not available or were not evaluated, and the functional significance of this variant is currently unknown. In summary, the available evidence is currently insufficient to determine the role of this variant in disease. Therefore, it has been classified as a Variant of Uncertain Significance.